The following is an entry in ClinVar:

NM_001077350.3(NPRL3):c.700A>G (p.Lys234Glu)

Genes: HBA-LCR (alpha-globin locus control region; plus strand), NPRL3 (NPR3 like, GATOR1 complex subunit; minus strand). Cytogenetic location: 16p13.3.
Variant type: single nucleotide variant.
Coding change: c.700A>G on transcript NM_001077350.3 (MANE Select); coding-DNA position 700, A replaced by G.
Protein change: p.Lys234Glu; replaces lysine 234 with glutamic acid.
Molecular consequence: missense variant.
Genome position (GRCh38, 1-based): chr16:100,439, T>C on the plus strand (A>G on the coding strand, the complement: NPRL3 is on the minus strand). VCF-style: chr16-100439-T-C. GRCh37 (hg19) VCF-style: chr16-150437-T-C.
Other names: c.163A>G, p.Lys55Glu (NM_001039476.3); c.466A>G, p.Lys156Glu (NM_001243247.2); c.625A>G, p.Lys209Glu (NM_001243248.2, NM_001243249.2); c.700A>G (NM_001077350.2); short protein forms K156E, K209E, K234E, K55E.
Identifiers: ClinVar variation 1017353 (VCV001017353.8), dbSNP rs1899230843, ClinGen allele CA393990862.
Genomic context (GRCh38, chr16:100,439, plus strand): 5'-CTTTCAGGCTCCGTTCGATGGCCTCTGGGGGGATCAGACTGGAGGCCGCATAGTGGATCT[T>C]GTGGGGCAGGCAGAAGCTCACCTCCAGCCAGCTGTTGATGTGAAGCCGAACTACGCCCGA-3'
Protein context (NP_001070818.1, residues 224-244): WLEVSFCLPH[Lys234Glu]IHYAASSLIP

ClinVar aggregate classification (germline): Uncertain significance. Review status: criteria provided, multiple submitters, no conflicts (2 of 4 stars). 2 submissions from 2 submitters: Uncertain significance (2). Last evaluated 2026-08-05.

Conditions:
Epilepsy, familial focal, with variable foci 3 (FFEVF3). Identifiers: MedGen C4310708, MONDO:0014925, OMIM 617118.
Inborn genetic diseases. Identifiers: MedGen C0950123, MeSH D030342.

Allele frequency attached by ClinVar (database versions not stated): gnomAD exomes below 0.00001; TOPMed below 0.00001.
gnomAD v4.1: 1 of 1,605,822 alleles (0.000062%); highest among the groups gnomAD compares: African/African-American, 0.0013%; no homozygotes.

Submissions (2):

Ambry Genetics
Classification: Uncertain significance for Inborn genetic diseases. Last evaluated: 2026-08-05. Review status: criteria provided, single submitter. Criteria: Ambry Variant Classification Scheme 2023. Collection method: clinical testing. Allele origin: germline.

Labcorp Genetics (formerly Invitae), Labcorp
Classification: Uncertain significance for Epilepsy, familial focal, with variable foci 3. Last evaluated: 2023-02-09. Review status: criteria provided, single submitter. Criteria: Invitae Variant Classification Sherloc (09022015). Collection method: clinical testing. Allele origin: germline.
Comment: This sequence change replaces lysine, which is basic and polar, with glutamic acid, which is acidic and polar, at codon 234 of the NPRL3 protein (p.Lys234Glu). This variant is not present in population databases (gnomAD no frequency). This variant has not been reported in the literature in individuals affected with NPRL3-related conditions. ClinVar contains an entry for this variant (Variation ID: 1017353). Advanced modeling of protein sequence and biophysical properties (such as structural, functional, and spatial information, amino acid conservation, physicochemical variation, residue mobility, and thermodynamic stability) has been performed at Invitae for this missense variant, however the output from this modeling did not meet the statistical confidence thresholds required to predict the impact of this variant on NPRL3 protein function. In summary, the available evidence is currently insufficient to determine the role of this variant in disease. Therefore, it has been classified as a Variant of Uncertain Significance.